The following is an entry in ClinVar:

NM_014915.3(ANKRD26):c.1567G>A (p.Glu523Lys)

Gene: ANKRD26 (ankyrin repeat domain 26; minus strand). Cytogenetic location: 10p12.1.
Variant type: single nucleotide variant.
Coding change: c.1567G>A on transcript NM_014915.3 (MANE Select); coding-DNA position 1567, G replaced by A.
Protein change: p.Glu523Lys; replaces glutamic acid 523 with lysine.
Molecular consequence: missense variant.
Genome position (GRCh38, 1-based): chr10:27,053,388, C>T on the plus strand (G>A on the coding strand, the complement: ANKRD26 is on the minus strand). VCF-style: chr10-27053388-C-T. GRCh37 (hg19) VCF-style: chr10-27342317-C-T.
Other names: c.1567G>A, p.Glu523Lys (NM_001256053.2); short protein forms E523K.
Identifiers: ClinVar variation 5022716 (VCV005022716.1).

ClinVar aggregate classification (germline): Uncertain significance (1 of 4 stars; one submission).

Conditions:
Inborn genetic diseases. Identifiers: MedGen C0950123, MeSH D030342.

Submission:

Ambry Genetics
Classification: Uncertain significance for Inborn genetic diseases. Last evaluated: 2026-09-12. Review status: criteria provided, single submitter. Criteria: Ambry Variant Classification Scheme 2023. Collection method: clinical testing. Allele origin: germline.
Comment: The p.E523K variant (also known as c.1567G>A), located in coding exon 16 of the ANKRD26 gene, results from a G to A substitution at nucleotide position 1567. The glutamic acid at codon 523 is replaced by lysine, an amino acid with similar properties. This amino acid position is conserved. In addition, this alteration is predicted to be tolerated by in silico analysis. Based on the available evidence, the clinical significance of this variant remains unclear.